The following is an entry in ClinVar:

ClinVar aggregate classification (germline): Uncertain significance (1 of 4 stars; one submission).

Conditions:
Cholestanol storage disease (CTX). Also called: CEREBRAL CHOLESTERINOSIS; CTX: Cerebrotendinous xanthomatosis; Cerebrotendinous Xanthomatosis. Identifiers: Orphanet 909, MedGen C0238052, MONDO:0008948, OMIM 213700.

Submission:

Labcorp Genetics (formerly Invitae), Labcorp
Classification: Uncertain significance for Cholestanol storage disease. Last evaluated: 2022-01-26. Review status: criteria provided, single submitter. Criteria: Invitae Variant Classification Sherloc (09022015). Collection method: clinical testing. Allele origin: germline.
Comment: This sequence change replaces arginine, which is basic and polar, with serine, which is neutral and polar, at codon 480 of the CYP27A1 protein (p.Arg480Ser). In summary, the available evidence is currently insufficient to determine the role of this variant in disease. Therefore, it has been classified as a Variant of Uncertain Significance. Advanced modeling of protein sequence and biophysical properties (such as structural, functional, and spatial information, amino acid conservation, physicochemical variation, residue mobility, and thermodynamic stability) performed at Invitae indicates that this missense variant is expected to disrupt CYP27A1 protein function. This variant has not been reported in the literature in individuals affected with CYP27A1-related conditions. This variant is not present in population databases (gnomAD no frequency).

NM_000784.4(CYP27A1):c.1440G>C (p.Arg480Ser)

Gene: CYP27A1 (cytochrome P450 family 27 subfamily A member 1; plus strand). Cytogenetic location: 2q35.
Variant type: single nucleotide variant.
Coding change: c.1440G>C on transcript NM_000784.4 (MANE Select); coding-DNA position 1440, G replaced by C.
Protein change: p.Arg480Ser; replaces arginine 480 with serine.
Molecular consequence: missense variant.
Genome position (GRCh38, 1-based): chr2:218,814,721, G>C. VCF-style: chr2-218814721-G-C. GRCh37 (hg19) VCF-style: chr2-219679444-G-C.
Other names: short protein forms R480S.
Identifiers: ClinVar variation 2165863 (VCV002165863.2), dbSNP rs2470230273, ClinGen allele CA350595296.